The following is an entry in ClinVar:

NM_000138.5(FBN1):c.610T>C (p.Cys204Arg)

Gene: FBN1 (fibrillin 1; minus strand). Cytogenetic location: 15q21.1.
Variant type: single nucleotide variant.
Coding change: c.610T>C on transcript NM_000138.5 (MANE Select); coding-DNA position 610, T replaced by C.
Protein change: p.Cys204Arg; replaces cysteine 204 with arginine.
Molecular consequence: missense variant.
Genome position (GRCh38, 1-based): chr15:48,537,737, A>G on the plus strand (T>C on the coding strand, the complement: FBN1 is on the minus strand). VCF-style: chr15-48537737-A-G. GRCh37 (hg19) VCF-style: chr15-48829934-A-G.
Other names: short protein forms C204R.
Identifiers: ClinVar variation 1499510 (VCV001499510.6), dbSNP rs2044026132, ClinGen allele CA392446046.
Genomic context (GRCh38, chr15:48,537,737, plus strand): 5'-ACATCTCACAGGGGTGGCCCCAGGCTCGGCCGACTGTGGCACAGCAGAGCGTTTTTGTGC[A>G]GACAATCCCGCTGAGTTGTCCCTGGCACATCTGGTTGCTGATCACAGTAAAACATGGGCC-3'
Protein context (NP_000129.3, residues 194-214): MCQGQLSGIV[Cys204Arg]TKTLCCATVG

ClinVar aggregate classification (germline): Likely pathogenic (1 of 4 stars; one submission).

Conditions:
Marfan syndrome (MFS). Also called: MARFAN SYNDROME, TYPE I; Marfan syndrome type 1; Marfan's syndrome; Marfan syndrome, classic; FBN1-Related Marfan Syndrome. Identifiers: Orphanet 284963, Orphanet 558, MedGen C0024796, MONDO:0007947, OMIM 154700.
Familial thoracic aortic aneurysm and aortic dissection (TAAD). Also called: Thoracic aortic aneurysms and dissections. Identifiers: Orphanet 91387, MedGen C4707243, MONDO:0019625.

Allele frequency attached by ClinVar (database versions not stated): gnomAD 0.00001; TOPMed below 0.00001.
gnomAD v4.1: 1 of 1,614,104 alleles (0.000062%); highest among the groups gnomAD compares: Admixed American, 0.0017%; no homozygotes.

Submission:

Labcorp Genetics (formerly Invitae), Labcorp
Classification: Likely pathogenic for Marfan syndrome; Familial thoracic aortic aneurysm and aortic dissection. Last evaluated: 2024-01-17. Review status: criteria provided, single submitter. Criteria: Invitae Variant Classification Sherloc (09022015). Collection method: clinical testing. Allele origin: germline.
Comment: This sequence change replaces cysteine, which is neutral and slightly polar, with arginine, which is basic and polar, at codon 204 of the FBN1 protein (p.Cys204Arg). This variant is not present in population databases (gnomAD no frequency). This variant has not been reported in the literature in individuals affected with FBN1-related conditions. ClinVar contains an entry for this variant (Variation ID: 1499510). Advanced modeling of protein sequence and biophysical properties (such as structural, functional, and spatial information, amino acid conservation, physicochemical variation, residue mobility, and thermodynamic stability) performed at Invitae indicates that this missense variant is expected to disrupt FBN1 protein function with a positive predictive value of 95%. This variant affects a cysteine residue in the EGF-like, TGFBP or hybrid motif domains of FBN1. Cysteine residues are believed to be involved in intramolecular disulfide bridges and have been shown to be important for FBN1 protein structure (PMID: 16905551, 19349279). In addition, missense substitutions affecting cysteine residues within these domains are significantly overrepresented among patients with Marfan syndrome (PMID: 16571647, 17701892). In summary, the currently available evidence indicates that the variant is pathogenic, but additional data are needed to prove that conclusively. Therefore, this variant has been classified as Likely Pathogenic.

Literature cited by the submitters: PubMed 16905551; PubMed 19349279; PubMed 16571647; PubMed 17701892.